The following is an entry in ClinVar:

NM_003119.4(SPG7):c.1795C>T (p.Arg599Trp)

Gene: SPG7 (SPG7 matrix AAA peptidase subunit, paraplegin; plus strand). Cytogenetic location: 16q24.3.
Variant type: single nucleotide variant.
Coding change: c.1795C>T on transcript NM_003119.4 (MANE Select); coding-DNA position 1795, C replaced by T.
Protein change: p.Arg599Trp; replaces arginine 599 with tryptophan.
Molecular consequence: missense variant.
Genome position (GRCh38, 1-based): chr16:89,552,994, C>T. VCF-style: chr16-89552994-C-T. GRCh37 (hg19) VCF-style: chr16-89619402-C-T.
Other names: c.1795C>T, p.Arg599Trp (NM_001363850.1); short protein forms R599W.
Identifiers: ClinVar variation 1060812 (VCV001060812.15), dbSNP rs764645740, ClinGen allele CA8244419.

ClinVar aggregate classification (germline): Uncertain significance. Review status: criteria provided, multiple submitters, no conflicts (2 of 4 stars). 4 submissions from 4 submitters: Uncertain significance (4). Last evaluated 2026-01-05.

Conditions:
Hereditary spastic paraplegia 7 (SPG7). Also called: SPASTIC PARAPLEGIA 7, AUTOSOMAL RECESSIVE, WITH OR WITHOUT CEREBELLAR ATAXIA; Spastic paraplegia 7; Hereditary spastic paraplegia Paraplegin type; Autosomal recessive spastic paraplegia type 7; SPG7-related neurologic disorder. Identifiers: Orphanet 99013, MedGen C1846564, MONDO:0011803, OMIM 607259.
Inborn genetic diseases. Identifiers: MedGen C0950123, MeSH D030342.

Allele frequency attached by ClinVar (database versions not stated): gnomAD exomes 0.00001 and 0.00003; gnomAD 0.00002; ExAC 0.00003; TOPMed 0.00004.
gnomAD v4.1: 23 of 1,613,806 alleles (0.0014%); highest among the groups gnomAD compares: Admixed American, 0.018%; no homozygotes.

Submissions (4):

Labcorp Genetics (formerly Invitae), Labcorp
Classification: Uncertain significance for Hereditary spastic paraplegia 7. Last evaluated: 2026-01-05. Review status: criteria provided, single submitter. Criteria: Invitae Variant Classification Sherloc (09022015). Collection method: clinical testing. Allele origin: germline.
Comment: This sequence change replaces arginine, which is basic and polar, with tryptophan, which is neutral and slightly polar, at codon 599 of the SPG7 protein (p.Arg599Trp). This variant is present in population databases (rs764645740, gnomAD 0.02%). This variant has not been reported in the literature in individuals affected with SPG7-related conditions. ClinVar contains an entry for this variant (Variation ID: 1060812). Invitae Evidence Modeling of protein sequence and biophysical properties (such as structural, functional, and spatial information, amino acid conservation, physicochemical variation, residue mobility, and thermodynamic stability) indicates that this missense variant is expected to disrupt SPG7 protein function with a positive predictive value of 80%. In summary, the available evidence is currently insufficient to determine the role of this variant in disease. Therefore, it has been classified as a Variant of Uncertain Significance.

Ambry Genetics
Classification: Uncertain significance for Inborn genetic diseases. Last evaluated: 2025-03-18. Review status: criteria provided, single submitter. Criteria: Ambry Variant Classification Scheme 2023. Collection method: clinical testing. Allele origin: germline.

GeneDx
Classification: Uncertain significance. Last evaluated: 2023-06-06. Review status: criteria provided, single submitter. Criteria: GeneDx Variant Classification Process June 2021. Collection method: clinical testing. Allele origin: germline. Affected: yes.
Comment: In silico analysis supports that this missense variant has a deleterious effect on protein structure/function; Has not been previously published as pathogenic or benign to our knowledge

Athena Diagnostics
Classification: Uncertain significance. Last evaluated: 2020-11-27. Review status: criteria provided, single submitter. Criteria: Athena Diagnostics criteria. Collection method: clinical testing. Allele origin: unknown.